The following is an entry in ClinVar:

NM_000789.4(ACE):c.1706T>C (p.Leu569Pro)

Gene: ACE (angiotensin I converting enzyme; plus strand). Cytogenetic location: 17q23.3.
Variant type: single nucleotide variant.
Coding change: c.1706T>C on transcript NM_000789.4 (MANE Select); coding-DNA position 1706, T replaced by C.
Protein change: p.Leu569Pro; replaces leucine 569 with proline.
Molecular consequence: missense variant.
Genome position (GRCh38, 1-based): chr17:63,483,968, T>C. VCF-style: chr17-63483968-T-C. GRCh37 (hg19) VCF-style: chr17-61561329-T-C.
Other names: c.854T>C, p.Leu285Pro (NM_001382701.1); c.1139T>C, p.Leu380Pro (NM_001382700.1); short protein forms L285P, L380P, L569P.
Identifiers: ClinVar variation 4531086 (VCV004531086.1).

ClinVar aggregate classification (germline): Uncertain significance (1 of 4 stars; one submission).

Submission:

GeneDx
Classification: Uncertain significance. Last evaluated: 2025-05-18. Review status: criteria provided, single submitter. Criteria: GeneDx Variant Classification Process June 2021. Collection method: clinical testing. Allele origin: germline. Affected: yes.
Comment: Not observed at significant frequency in large population cohorts (gnomAD); In silico analysis supports that this missense variant has a deleterious effect on protein structure/function; Has not been previously published as pathogenic or benign to our knowledge